The following is an entry in ClinVar:

ClinVar aggregate classification (germline): Uncertain significance (1 of 4 stars; one submission).

Submission:

Labcorp Genetics (formerly Invitae), Labcorp
Classification: Uncertain significance. Last evaluated: 2025-08-03. Review status: criteria provided, single submitter. Criteria: Invitae Variant Classification Sherloc (09022015). Collection method: clinical testing. Allele origin: germline.
Comment: This sequence change replaces arginine, which is basic and polar, with cysteine, which is neutral and slightly polar, at codon 399 of the INTU protein (p.Arg399Cys). This variant is present in population databases (rs769527789, gnomAD 0.03%). This variant has not been reported in the literature in individuals affected with INTU-related conditions. Invitae Evidence Modeling of protein sequence and biophysical properties (such as structural, functional, and spatial information, amino acid conservation, physicochemical variation, residue mobility, and thermodynamic stability) indicates that this missense variant is not expected to disrupt INTU protein function with a negative predictive value of 80%. In summary, the available evidence is currently insufficient to determine the role of this variant in disease. Therefore, it has been classified as a Variant of Uncertain Significance.

NM_015693.4(INTU):c.1195C>T (p.Arg399Cys)

Gene: INTU (inturned planar cell polarity protein; plus strand). Cytogenetic location: 4q28.1.
Variant type: single nucleotide variant.
Coding change: c.1195C>T on transcript NM_015693.4 (MANE Select); coding-DNA position 1195, C replaced by T.
Protein change: p.Arg399Cys; replaces arginine 399 with cysteine.
Molecular consequence: missense variant.
Genome position (GRCh38, 1-based): chr4:127,684,422, C>T. VCF-style: chr4-127684422-C-T. GRCh37 (hg19) VCF-style: chr4-128605577-C-T.
Other names: short protein forms R399C.
Identifiers: ClinVar variation 4738622 (VCV004738622.1).